The following is an entry in ClinVar:

ClinVar aggregate classification (germline): Likely benign. Review status: criteria provided, multiple submitters, no conflicts (2 of 4 stars). 3 submissions from 3 submitters: Likely benign (3). Last evaluated 2025-08-16.

Allele frequency attached by ClinVar (database versions not stated): gnomAD 0.00001 and 0.00002; ExAC 0.00002; gnomAD exomes 0.00002; TOPMed 0.00004; ESP Exome Variant Server 0.00008.
gnomAD v4.1: 34 of 1,614,040 alleles (0.0021%); highest among the groups gnomAD compares: Non-Finnish European, 0.0028%; no homozygotes.

Submissions (3):

Labcorp Genetics (formerly Invitae), Labcorp
Classification: Likely benign. Last evaluated: 2025-08-16. Review status: criteria provided, single submitter. Criteria: Invitae Variant Classification Sherloc (09022015). Collection method: clinical testing. Allele origin: germline.

Blueprint Genetics
Classification: Likely benign. Last evaluated: 2022-12-07. Review status: criteria provided, single submitter. Criteria: ACMG Guidelines, 2015. Collection method: clinical testing. Allele origin: germline.

GeneDx
Classification: Likely benign. Last evaluated: 2016-02-12. Review status: criteria provided, single submitter. Criteria: GeneDx Variant Classification (06012015). Collection method: clinical testing. Allele origin: germline. Affected: yes.
Comment: This variant is considered likely benign or benign based on one or more of the following criteria: it is a conservative change, it occurs at a poorly conserved position in the protein, it is predicted to be benign by multiple in silico algorithms, and/or has population frequency not consistent with disease.

NM_018109.4(MTPAP):c.858T>C (p.Ser286=)

Gene: MTPAP (mitochondrial poly(A) polymerase; minus strand). Cytogenetic location: 10p11.23.
Variant type: single nucleotide variant.
Coding change: c.858T>C on transcript NM_018109.4 (MANE Select); coding-DNA position 858, T replaced by C.
Protein change: p.Ser286=; no amino-acid change (serine 286 retained).
Molecular consequence: synonymous variant.
Genome position (GRCh38, 1-based): chr10:30,326,558, A>G on the plus strand (T>C on the coding strand, the complement: MTPAP is on the minus strand). VCF-style: chr10-30326558-A-G. GRCh37 (hg19) VCF-style: chr10-30615487-A-G.
Identifiers: ClinVar variation 382484 (VCV000382484.6), dbSNP rs373022016, ClinGen allele CA5459081.
Genomic context (GRCh38, chr10:30,326,558, plus strand): 5'-TAATATTTTTTGCACACCCACACAGCCAGGGCCAAAGTGGTCAAGGCACTCTCCTAACAC[A>G]GACAGGATCTTCTGAGTTGCAATTCTTTCTGAAGGAACATTTTTCACTTGAAATTCCATC-3'
Protein context (NP_060579.3, residues 276-296): SERIATQKIL[Ser286=]VLGECLDHFG